The following is an entry in ClinVar:

ClinVar aggregate classification (germline): Likely benign. Review status: criteria provided, multiple submitters, no conflicts (2 of 4 stars). 2 submissions from 2 submitters: Likely benign (2). Last evaluated 2026-07-01.

Conditions:
Inborn genetic diseases. Identifiers: MedGen C0950123, MeSH D030342.

Allele frequency attached by ClinVar (database versions not stated): ExAC 0.00008; ESP Exome Variant Server 0.00008.
gnomAD v4.1: 149 of 1,613,970 alleles (0.0092%); highest among the groups gnomAD compares: Non-Finnish European, 0.012%; no homozygotes.

Submissions (2):

CeGaT Center for Human Genetics Tuebingen
Classification: Likely benign. Last evaluated: 2026-07-01. Review status: criteria provided, single submitter. Criteria: CeGaT Center For Human Genetics Tuebingen Variant Classification Criteria Version 2. Collection method: clinical testing. Allele origin: germline. Affected: yes. Observed: 2 variant alleles.
Comment: MACF1: BS2

Ambry Genetics
Classification: Likely benign for Inborn genetic diseases. Last evaluated: 2022-05-25. Review status: criteria provided, single submitter. Criteria: Ambry Variant Classification Scheme 2023. Collection method: clinical testing. Allele origin: germline.

NM_001394062.1(MACF1):c.19230G>T (p.Met6410Ile)

Gene: MACF1 (microtubule actin crosslinking factor 1; plus strand). Cytogenetic location: 1p34.3.
Variant type: single nucleotide variant.
Coding change: c.19230G>T on transcript NM_001394062.1 (MANE Select); coding-DNA position 19230, G replaced by T.
Protein change: p.Met6410Ile; replaces methionine 6410 with isoleucine.
Molecular consequence: missense variant.
Genome position (GRCh38, 1-based): chr1:39,442,839, G>T. VCF-style: chr1-39442839-G-T. GRCh37 (hg19) VCF-style: chr1-39908511-G-T.
Other names: c.7308G>T, p.Met2436Ile (NM_001397473.1); c.13053G>T, p.Met4351Ile (NM_012090.5); short protein forms M2436I, M6410I, M4351I.
Identifiers: ClinVar variation 2291035 (VCV002291035.12), dbSNP rs141541905, ClinGen allele CA784075.